The following is an entry in ClinVar:

NM_001256317.3(TMPRSS3):c.782+5G>C

Gene: TMPRSS3 (transmembrane serine protease 3; minus strand). Cytogenetic location: 21q22.3.
Variant type: single nucleotide variant.
Coding change: c.782+5G>C on transcript NM_001256317.3 (MANE Select); 5 bases into the intron after coding-DNA position 782, G replaced by C.
Molecular consequence: intron variant.
Genome position (GRCh38, 1-based): chr21:42,383,028, C>G on the plus strand (G>C on the coding strand, the complement: TMPRSS3 is on the minus strand). VCF-style: chr21-42383028-C-G. GRCh37 (hg19) VCF-style: chr21-43803137-C-G.
Other names: c.782+5G>C (NM_024022.4, NM_032405.2); c.401+5G>C (NM_032404.3).
Identifiers: ClinVar variation 3237174 (VCV003237174.1), dbSNP rs765472712.

ClinVar aggregate classification (germline): Uncertain significance (1 of 4 stars; one submission).

Conditions:
Autosomal recessive nonsyndromic hearing loss 8 (DFNB8). Also called: NEUROSENSORY NONSYNDROMIC RECESSIVE DEAFNESS 8; Deafness, autosomal recessive 10. Identifiers: Orphanet 90636, MedGen C1832827, MONDO:0010987, OMIM 601072.

Allele frequency attached by ClinVar (database versions not stated): ExAC 0.00001.

Submission:

Institute of Human Genetics, University of Goettingen
Classification: Uncertain significance for Autosomal recessive nonsyndromic hearing loss 8. Last evaluated: 2024-05-30. Review status: criteria provided, single submitter. Criteria: ACMG Guidelines, 2015. Collection method: clinical testing. Allele origin: germline. Inheritance: Autosomal dominant inheritance. Affected: yes. Observed: 1 heterozygote.
Comment: PM2_sup, PP3_mod